The following is an entry in ClinVar:

NM_000163.5(GHR):c.821G>A (p.Gly274Glu)

Gene: GHR (growth hormone receptor; plus strand). Cytogenetic location: 5p12.
Variant type: single nucleotide variant.
Coding change: c.821G>A on transcript NM_000163.5 (MANE Select); coding-DNA position 821, G replaced by A.
Protein change: p.Gly274Glu; replaces glycine 274 with glutamic acid.
Molecular consequence: missense variant.
Genome position (GRCh38, 1-based): chr5:42,713,465, G>A. VCF-style: chr5-42713465-G-A. GRCh37 (hg19) VCF-style: chr5-42713567-G-A.
Other names: c.842G>A, p.Gly281Glu (NM_001242399.2); c.821G>A, p.Gly274Glu (NM_001242400.2, NM_001242401.4, NM_001242402.2 and 5 more transcripts); c.755G>A, p.Gly252Glu (NM_001242460.2); short protein forms G274E, G281E, G252E.
Identifiers: ClinVar variation 3382885 (VCV003382885.2), dbSNP rs139810242.

ClinVar aggregate classification (germline): Uncertain significance (1 of 4 stars; one submission).

Conditions:
Hypercholesterolemia, familial, 1. Also called: HYPERCHOLESTEROLEMIA, FAMILIAL, MODIFIER OF; LDL RECEPTOR DISORDER; Hyperlipoproteinemia Type IIa; HYPER-LOW-DENSITY-LIPOPROTEINEMIA; HYPERCHOLESTEROLEMIC XANTHOMATOSIS, FAMILIAL; Fredrickson type IIa hyperlipoproteinemia. Identifiers: Orphanet 391665, MedGen C0745103, MONDO:0007750, OMIM 143890.
Laron-type isolated somatotropin defect. Also called: Growth hormone binding protein deficiency or dysfunction; Growth hormone receptor deficiency or dysfunction; Laron dwarfism; Laron type pituitary dwarfism I; GROWTH HORMONE RECEPTOR DEFICIENCY; Laron Syndrome. Identifiers: Orphanet 633, MedGen C0271568, MONDO:0009877, OMIM 262500.
Short stature due to partial GHR deficiency. Also called: Growth hormone, insensitivity to, partial; GROWTH HORMONE INSENSITIVITY, PARTIAL; GROWTH HORMONE DEFICIENCY, ISOLATED PARTIAL. Identifiers: Orphanet 314802, Orphanet 314811, MedGen C1858656, MONDO:0011420, OMIM 604271.

Submission:

Juno Genomics, Hangzhou Juno Genomics, Inc
Classification: Uncertain significance for Short stature due to partial GHR deficiency; Laron-type isolated somatotropin defect; Hypercholesterolemia, familial, 1. Review status: criteria provided, single submitter. Criteria: ACMG Guidelines, 2015. Collection method: clinical testing. Allele origin: germline. Affected: yes.
Comment: Absent from controls (or at extremely low frequency if recessive) in Genome Aggregation Database, Exome Sequencing Project, 1000 Genomes Project, or Exome Aggregation Consortium.;Multiple lines of computational evidence support a deleterious effect on the gene or gene product (conservation, evolutionary, splicing impact, etc).